The following is an entry in ClinVar:

NM_004336.5(BUB1):c.1935G>A (p.Met645Ile)

Gene: BUB1 (BUB1 mitotic checkpoint serine/threonine kinase; minus strand). Cytogenetic location: 2q13.
Variant type: single nucleotide variant.
Coding change: c.1935G>A on transcript NM_004336.5 (MANE Select); coding-DNA position 1935, G replaced by A.
Protein change: p.Met645Ile; replaces methionine 645 with isoleucine.
Molecular consequence: missense variant.
Genome position (GRCh38, 1-based): chr2:110,653,465, C>T on the plus strand (G>A on the coding strand, the complement: BUB1 is on the minus strand). VCF-style: chr2-110653465-C-T. GRCh37 (hg19) VCF-style: chr2-111411042-C-T.
Other names: c.1875G>A, p.Met625Ile (NM_001278616.2); c.1935G>A, p.Met645Ile (NM_001278617.2); short protein forms M625I, M645I.
Identifiers: ClinVar variation 3224024 (VCV003224024.1), dbSNP rs2467996384, ClinGen allele CA348210273.
Genomic context (GRCh38, chr2:110,653,465, plus strand): 5'-AATGGCAGAACCAAATAAACCCTCACAATACCTGAATTTTCCATCCCTTGAAGGCACCAC[C>T]ATGTTTTCCTCACAAGAATCCAAAGTCGCCTGGGTACACTGTTTTGCTACCACATTTTCT-3'
Protein context (NP_004327.1, residues 635-655): QATLDSCEEN[Met645Ile]VVPSRDGKFS

ClinVar aggregate classification (germline): Uncertain significance (1 of 4 stars; one submission).

Allele frequency attached by ClinVar (database versions not stated): gnomAD exomes below 0.00001.
gnomAD v4.1: 1 of 1,613,914 alleles (0.000062%); highest among the groups gnomAD compares: Non-Finnish European, 0.000085%; no homozygotes.

Submission:

Ambry Genetics
Classification: Uncertain significance. Last evaluated: 2023-12-24. Review status: criteria provided, single submitter. Criteria: Ambry Variant Classification Scheme 2023. Collection method: clinical testing. Allele origin: germline.
Comment: The p.M645I variant (also known as c.1935G>A), located in coding exon 17 of the BUB1 gene, results from a G to A substitution at nucleotide position 1935. The methionine at codon 645 is replaced by isoleucine, an amino acid with highly similar properties. This amino acid position is conserved. In addition, this alteration is predicted to be tolerated by in silico analysis. Since supporting evidence is limited at this time, the clinical significance of this alteration remains unclear.